The following is an entry in ClinVar:

ClinVar aggregate classification (germline): Uncertain significance. Review status: criteria provided, multiple submitters, no conflicts (2 of 4 stars). 2 submissions from 2 submitters: Uncertain significance (2). Last evaluated 2025-01-22.

Allele frequency attached by ClinVar (database versions not stated): gnomAD 0.00001; TOPMed 0.00001; ESP Exome Variant Server 0.00008; ExAC 0.00004.
gnomAD v4.1: 55 of 1,613,174 alleles (0.0034%); highest among the groups gnomAD compares: Non-Finnish European, 0.0027%; no homozygotes.

Submissions (2):

Ambry Genetics
Classification: Uncertain significance. Last evaluated: 2025-01-22. Review status: criteria provided, single submitter. Criteria: Ambry Variant Classification Scheme 2023. Collection method: clinical testing. Allele origin: germline.

Labcorp Genetics (formerly Invitae), Labcorp
Classification: Uncertain significance. Last evaluated: 2023-12-28. Review status: criteria provided, single submitter. Criteria: Invitae Variant Classification Sherloc (09022015). Collection method: clinical testing. Allele origin: germline.
Comment: This sequence change replaces arginine, which is basic and polar, with histidine, which is basic and polar, at codon 69 of the KANK2 protein (p.Arg69His). This variant is present in population databases (rs144481228, gnomAD 0.04%). This variant has not been reported in the literature in individuals affected with KANK2-related conditions. ClinVar contains an entry for this variant (Variation ID: 2059733). An algorithm developed to predict the effect of missense changes on protein structure and function (PolyPhen-2) suggests that this variant is likely to be disruptive. In summary, the available evidence is currently insufficient to determine the role of this variant in disease. Therefore, it has been classified as a Variant of Uncertain Significance.

NM_001136191.3(KANK2):c.206G>A (p.Arg69His)

Gene: KANK2 (KN motif and ankyrin repeat domains 2; minus strand). Cytogenetic location: 19p13.2.
Variant type: single nucleotide variant.
Coding change: c.206G>A on transcript NM_001136191.3 (MANE Select); coding-DNA position 206, G replaced by A.
Protein change: p.Arg69His; replaces arginine 69 with histidine.
Molecular consequence: missense variant.
Genome position (GRCh38, 1-based): chr19:11,193,874, C>T on the plus strand (G>A on the coding strand, the complement: KANK2 is on the minus strand). VCF-style: chr19-11193874-C-T. GRCh37 (hg19) VCF-style: chr19-11304550-C-T.
Other names: c.206G>A, p.Arg69His (NM_001329451.2, NM_001379548.1, NM_001379549.1 and 15 more transcripts); c.206G>A (NM_015493.6); short protein forms R69H.
Identifiers: ClinVar variation 2059733 (VCV002059733.5), dbSNP rs144481228, ClinGen allele CA9206129.